The following is an entry in ClinVar:

ClinVar aggregate classification (germline): not provided (0 of 4 stars; one submission).

Conditions:
Normal pregnancy. Identifiers: MedGen C0232989.

Submission:

Institute of Molecular and Cell Biology, University of Tartu
No classification provided. Condition: Normal pregnancy. Review status: no classification provided. Collection method: case-control. Allele origin: unknown. Affected: yes. Study: Kasak2014.
Comment: The study aimed to determine the contribution of copy number variants in the genetic etiology of normal and complicated pregnancies. The samples represented (i) maternal blood DNA drawn from healthy pregnant women during 1st or 2nd trimester and (ii) maternal and paternal blood DNA drawn at term pregnancy cases representing normal and complicated gestations (severe preeclampsia, PE; gestational diabetes, GD; small-for-gestational age newborn, SGA; large-for-gestational age newborn, LGA). We performed CNV calling based on genome-wide genotyping dataset (Illumina HumanOmniExpress-24-v1 BeadChip) by applying three algorithms, QuantiSNP, GADA (Genome Alteration Detection Algorithm) and CNstream in parallel. The acquired CNV calls were merged with HD-CNV (Hotspot Detector for Copy Number Variants) program and only the CNVs predicted by at least two programs, were considered in subsequent analysis.

Literature cited by the submitters: PubMed 25666259.

Single allele

Genes: CYP2C19 (cytochrome P450 family 2 subfamily C member 19; plus strand), LOC110599570 (CYP2C19 promoter; plus strand), LOC111982881 (Sharpr-MPRA regulatory region 9306; plus strand). Cytogenetic location: 10q23.33.
Variant type: Deletion.
Identifiers: ClinVar variation 157183 (VCV000157183.2).